The following is an entry in ClinVar:

NM_001134363.3(RBM20):c.705C>G (p.Ser235Arg)

Gene: RBM20 (RNA binding motif protein 20; plus strand). Cytogenetic location: 10q25.2.
Variant type: single nucleotide variant.
Coding change: c.705C>G on transcript NM_001134363.3 (MANE Select); coding-DNA position 705, C replaced by G.
Protein change: p.Ser235Arg; replaces serine 235 with arginine.
Molecular consequence: missense variant.
Genome position (GRCh38, 1-based): chr10:110,781,314, C>G. VCF-style: chr10-110781314-C-G. GRCh37 (hg19) VCF-style: chr10-112541072-C-G.
Other names: short protein forms S235R.
Identifiers: ClinVar variation 3706024 (VCV003706024.2).

ClinVar aggregate classification (germline): Uncertain significance (1 of 4 stars; one submission).

Conditions:
Dilated cardiomyopathy 1DD (CMD1DD). Identifiers: Orphanet 154, MedGen C2750995, MONDO:0013168, OMIM 613172.

Submission:

Labcorp Genetics (formerly Invitae), Labcorp
Classification: Uncertain significance for Dilated cardiomyopathy 1DD. Last evaluated: 2024-10-30. Review status: criteria provided, single submitter. Criteria: Invitae Variant Classification Sherloc (09022015). Collection method: clinical testing. Allele origin: germline.
Comment: This sequence change replaces serine, which is neutral and polar, with arginine, which is basic and polar, at codon 235 of the RBM20 protein (p.Ser235Arg). This variant is not present in population databases (gnomAD no frequency). This variant has not been reported in the literature in individuals affected with RBM20-related conditions. Invitae Evidence Modeling of protein sequence and biophysical properties (such as structural, functional, and spatial information, amino acid conservation, physicochemical variation, residue mobility, and thermodynamic stability) indicates that this missense variant is not expected to disrupt RBM20 protein function with a negative predictive value of 95%. In summary, the available evidence is currently insufficient to determine the role of this variant in disease. Therefore, it has been classified as a Variant of Uncertain Significance.